The following is an entry in ClinVar:

NM_001371596.2(MFSD8):c.439+5G>A

Gene: MFSD8 (major facilitator superfamily domain containing 8; minus strand). Cytogenetic location: 4q28.2.
Variant type: single nucleotide variant.
Coding change: c.439+5G>A on transcript NM_001371596.2 (MANE Select); 5 bases into the intron after coding-DNA position 439, G replaced by A.
Molecular consequence: intron variant.
Genome position (GRCh38, 1-based): chr4:127,943,747, C>T on the plus strand (G>A on the coding strand, the complement: MFSD8 is on the minus strand). VCF-style: chr4-127943747-C-T. GRCh37 (hg19) VCF-style: chr4-128864902-C-T.
Other names: c.304+5G>A (NM_001371595.1, NM_001410765.1, NM_001371590.2); c.439+5G>A (NM_152778.4, NM_001363521.3, NM_001410766.1 and 5 more transcripts).
Identifiers: ClinVar variation 1985055 (VCV001985055.1), dbSNP rs1740585969, ClinGen allele CA1492820045.
Genomic context (GRCh38, chr4:127,943,747, plus strand): 5'-AGTGAGCCATAAATGTCAGAATGAATGTGAATATGACACAACCAAACATATACATACAAC[C>T]TTACCTGCTCCAATTCCCAACAATCCACGAGCAACCAGCATGTAGTATTTATTATGAGAA-3'

ClinVar aggregate classification (germline): Uncertain significance (1 of 4 stars; one submission).

Conditions:
Neuronal ceroid lipofuscinosis 7 (CLN7). Also called: MFSD8-Related Neuronal Ceroid-Lipofuscinosis. Identifiers: Orphanet 168491, Orphanet 228366, MedGen C1838571, MONDO:0012588, OMIM 610951.

gnomAD v4.1: 7 of 1,614,052 alleles (0.00043%); highest among the groups gnomAD compares: South Asian, 0.0022%; no homozygotes.

Submission:

Labcorp Genetics (formerly Invitae), Labcorp
Classification: Uncertain significance for Neuronal ceroid lipofuscinosis 7. Last evaluated: 2020-07-30. Review status: criteria provided, single submitter. Criteria: Invitae Variant Classification Sherloc (09022015). Collection method: clinical testing. Allele origin: germline.
Comment: This sequence change falls in intron 5 of the MFSD8 gene. It does not directly change the encoded amino acid sequence of the MFSD8 protein, but it affects a nucleotide within the consensus splice site of the intron. This variant is not present in population databases (ExAC no frequency). This variant has not been reported in the literature in individuals with MFSD8-related conditions. Nucleotide substitutions within the consensus splice site are a relatively common cause of aberrant splicing (PMID: 17576681, 9536098). Algorithms developed to predict the effect of sequence changes on RNA splicing suggest that this variant is not likely to affect RNA splicing, but this prediction has not been confirmed by published transcriptional studies. In summary, the available evidence is currently insufficient to determine the role of this variant in disease. Therefore, it has been classified as a Variant of Uncertain Significance.

Literature cited by the submitters: PubMed 17576681; PubMed 9536098.